The following is an entry in ClinVar:

ClinVar aggregate classification (germline): Uncertain significance. Review status: criteria provided, multiple submitters, no conflicts (2 of 4 stars). 4 submissions from 4 submitters: Uncertain significance (4). Last evaluated 2025-04-10.

Conditions:
Inborn genetic diseases. Identifiers: MedGen C0950123, MeSH D030342.

Allele frequency attached by ClinVar (database versions not stated): TOPMed 0.00010; gnomAD exomes 0.00002 and 0.00007; ExAC 0.00004; 1000 Genomes Project 0.00020; gnomAD 0.00012 and 0.00011; 1000 Genomes Project 30x 0.00016.
gnomAD v4.1: 46 of 1,614,084 alleles (0.0028%); highest among the groups gnomAD compares: Admixed American, 0.032%; no homozygotes.

Submissions (4):

Ambry Genetics
Classification: Uncertain significance for Inborn genetic diseases. Last evaluated: 2025-04-10. Review status: criteria provided, single submitter. Criteria: Ambry Variant Classification Scheme 2023. Collection method: clinical testing. Allele origin: germline.

Labcorp Genetics (formerly Invitae), Labcorp
Classification: Uncertain significance. Last evaluated: 2023-11-27. Review status: criteria provided, single submitter. Criteria: Invitae Variant Classification Sherloc (09022015). Collection method: clinical testing. Allele origin: germline.
Comment: This sequence change replaces asparagine, which is neutral and polar, with serine, which is neutral and polar, at codon 122 of the CNNM4 protein (p.Asn122Ser). This variant is present in population databases (rs561036245, gnomAD 0.03%). This variant has not been reported in the literature in individuals affected with CNNM4-related conditions. ClinVar contains an entry for this variant (Variation ID: 1052669). Advanced modeling of protein sequence and biophysical properties (such as structural, functional, and spatial information, amino acid conservation, physicochemical variation, residue mobility, and thermodynamic stability) performed at Invitae indicates that this missense variant is not expected to disrupt CNNM4 protein function with a negative predictive value of 80%. In summary, the available evidence is currently insufficient to determine the role of this variant in disease. Therefore, it has been classified as a Variant of Uncertain Significance.

Blueprint Genetics
Classification: Uncertain significance. Last evaluated: 2019-02-13. Review status: criteria provided, single submitter. Criteria: ACMG Guidelines, 2015. Collection method: clinical testing. Allele origin: germline.

Breakthrough Genomics
Classification: Uncertain significance. Review status: criteria provided, single submitter. Criteria: ACMG Guidelines, 2015. Collection method: not provided. Allele origin: germline. Inheritance: Autosomal recessive inheritance. Affected: yes.

NM_020184.4(CNNM4):c.365A>G (p.Asn122Ser)

Gene: CNNM4 (cyclin and CBS domain divalent metal cation transport mediator 4; plus strand). Cytogenetic location: 2q11.2.
Variant type: single nucleotide variant.
Coding change: c.365A>G on transcript NM_020184.4 (MANE Select); coding-DNA position 365, A replaced by G.
Protein change: p.Asn122Ser; replaces asparagine 122 with serine.
Molecular consequence: missense variant.
Genome position (GRCh38, 1-based): chr2:96,761,364, A>G. VCF-style: chr2-96761364-A-G. GRCh37 (hg19) VCF-style: chr2-97427101-A-G.
Other names: c.365A>G (NM_020184.3); short protein forms N122S.
Identifiers: ClinVar variation 1052669 (VCV001052669.8), dbSNP rs561036245, ClinGen allele CA1783197.
Genomic context (GRCh38, chr2:96,761,364, plus strand): 5'-TCCACAAGTCCACCAGCTGCCTCGAGCTCACCAAGGACCTGGTCGTCCAGCAGCTGGTCA[A>G]CGTGAGCCGCGGGAACACGTCCGGCGTGCTGGTGGTGCTCACCAAGTTCCTCCGGAGGAG-3'
Protein context (NP_064569.3, residues 112-132): TKDLVVQQLV[Asn122Ser]VSRGNTSGVL